The following is an entry in ClinVar:

ClinVar aggregate classification (germline): Likely benign (0 of 4 stars; one submission).

Conditions:
KSR2-related disorder. Also called: KSR2-related condition.

Allele frequency attached by ClinVar (database versions not stated): ExAC 0.00001; TOPMed 0.00001; gnomAD exomes 0.00002.
gnomAD v4.1: 25 of 1,609,290 alleles (0.0016%); highest among the groups gnomAD compares: South Asian, 0.0044%; no homozygotes.

Submission:

PreventionGenetics, part of Exact Sciences
Classification: Likely benign for KSR2-related condition. Last evaluated: 2023-09-27. Review status: no assertion criteria provided. Collection method: clinical testing. Allele origin: germline.
Comment: This variant is classified as likely benign based on ACMG/AMP sequence variant interpretation guidelines (Richards et al. 2015 PMID: 25741868, with internal and published modifications).

NM_173598.6(KSR2):c.1875C>T (p.Ala625=)

Gene: KSR2 (kinase suppressor of ras 2; minus strand). Cytogenetic location: 12q24.22.
Variant type: single nucleotide variant.
Coding change: c.1875C>T on transcript NM_173598.6 (MANE Select); coding-DNA position 1875, C replaced by T.
Protein change: p.Ala625=; no amino-acid change (alanine 625 retained).
Molecular consequence: synonymous variant.
Genome position (GRCh38, 1-based): chr12:117,525,196, G>A on the plus strand (C>T on the coding strand, the complement: KSR2 is on the minus strand). VCF-style: chr12-117525196-G-A. GRCh37 (hg19) VCF-style: chr12-117963001-G-A.
Identifiers: ClinVar variation 3030303 (VCV003030303.2), dbSNP rs776072970, ClinGen allele CA6815854.